The following is an entry in ClinVar:

NM_004974.4(KCNA2):c.706G>T (p.Glu236Ter)

Gene: KCNA2 (potassium voltage-gated channel subfamily A member 2; minus strand). Cytogenetic location: 1p13.3.
Variant type: single nucleotide variant.
Coding change: c.706G>T on transcript NM_004974.4 (MANE Select); coding-DNA position 706, G replaced by T.
Protein change: p.Glu236Ter; replaces glutamic acid 236 with a stop codon.
Molecular consequence: nonsense.
Genome position (GRCh38, 1-based): chr1:110,604,077, C>A on the plus strand (G>T on the coding strand, the complement: KCNA2 is on the minus strand). VCF-style: chr1-110604077-C-A. GRCh37 (hg19) VCF-style: chr1-111146699-C-A.
Other names: c.706G>T, p.Glu236Ter (NM_001204269.2); short protein forms E236*.
Identifiers: ClinVar variation 5022934 (VCV005022934.1).

ClinVar aggregate classification (germline): Uncertain significance (1 of 4 stars; one submission).

Conditions:
Inborn genetic diseases. Identifiers: MedGen C0950123, MeSH D030342.

Submission:

Ambry Genetics
Classification: Uncertain significance for Inborn genetic diseases. Last evaluated: 2026-07-09. Review status: criteria provided, single submitter. Criteria: Ambry Variant Classification Scheme 2023. Collection method: clinical testing. Allele origin: germline.
Comment: The c.706G>T (p.E236*) alteration, located in exon 3 (coding exon 1) of the KCNA2 gene, consists of a G to T substitution at nucleotide position 706. This changes the amino acid from a glutamic acid (E) to a stop codon at amino acid position 236. Premature stop codons are typically deleterious in nature (Richards, 2015). This variant was not reported in population-based cohorts in the Genome Aggregation Database (gnomAD). Based on insufficient or conflicting evidence, the clinical significance of this alteration remains unclear.

Literature cited by the submitters: PubMed 28106320.